The following is an entry in ClinVar:

NM_002850.4(PTPRS):c.2552G>T (p.Arg851Leu)

Gene: PTPRS (protein tyrosine phosphatase receptor type S; minus strand). Cytogenetic location: 19p13.3.
Variant type: single nucleotide variant.
Coding change: c.2552G>T on transcript NM_002850.4 (MANE Select); coding-DNA position 2552, G replaced by T.
Protein change: p.Arg851Leu; replaces arginine 851 with leucine.
Molecular consequence: missense variant. On other transcripts: intron variant (2).
Genome position (GRCh38, 1-based): chr19:5,223,240, C>A on the plus strand (G>T on the coding strand, the complement: PTPRS is on the minus strand). VCF-style: chr19-5223240-C-A. GRCh37 (hg19) VCF-style: chr19-5223251-C-A.
Other names: c.2486G>T, p.Arg829Leu (NM_130854.3); c.1811-1020G>T (NM_130853.3); c.1823-1020G>T (NM_130855.3); short protein forms R851L, R829L.
Identifiers: ClinVar variation 590934 (VCV000590934.34), dbSNP rs199604489, ClinGen allele CA9109909.
Genomic context (GRCh38, chr19:5,223,240, plus strand): 5'-CCAAACTGCAGGCGGTAGCCCAGCACCTGGTCCTCCGCGGTGCCAGCCGGGGGCTCCCAG[C>A]GTGCCAGCAGGCTGCCCTCGGGGGTCTGCTGCACCGACAGGGTTGGGCGGCCCAGCACTG-3'
Protein context (NP_002841.3, residues 841-861): QQTPEGSLLA[Arg851Leu]WEPPAGTAED

ClinVar aggregate classification (germline): Uncertain significance. Review status: criteria provided, single submitter (1 of 4 stars). 3 submissions from 3 submitters: Uncertain significance (1). 2 of the submissions do not count toward it. Last evaluated 2022-04-01.

Conditions:
Hearing impairment. Also called: Impaired Hearing. Identifiers: MedGen C1384666, MONDO:0005365, HP:0000365.

Allele frequency attached by ClinVar (database versions not stated): TOPMed 0.00022; gnomAD 0.00034 and 0.00037; ESP Exome Variant Server 0.00055.
gnomAD v4.1: 363 of 1,486,796 alleles (0.024%); highest among the groups gnomAD compares: Non-Finnish European, 0.03%; 1 homozygote.

Submissions (3):

CeGaT Center for Human Genetics Tuebingen
Classification: Uncertain significance. Last evaluated: 2022-04-01. Review status: criteria provided, single submitter. Criteria: CeGaT Center For Human Genetics Tuebingen Variant Classification Criteria Version 2. Collection method: clinical testing. Allele origin: germline. Affected: yes. Observed: 1 variant allele.
Comment: PTPRS: PP2, BP4

Center for Statistical Genetics, Columbia University
Classification: Uncertain significance for Partial deafness; Hearing impairment. Last evaluated: 2018-10-08. Review status: no assertion criteria provided. Collection method: research. Allele origin: germline. Affected: yes. Not counted in ClinVar's aggregate classification.

University of Washington Center for Mendelian Genomics, University of Washington
Classification: Uncertain significance for Hearing impairment. Review status: no assertion criteria provided. Collection method: research. Allele origin: inherited. Affected: yes. Not counted in ClinVar's aggregate classification.

Literature cited by the submitters: PubMed 30872814 (cited by Center for Statistical Genetics, Columbia University and University of Washington Center for Mendelian Genomics, University of Washington).